The following is an entry in ClinVar:

ClinVar aggregate classification (germline): Uncertain significance (1 of 4 stars; one submission).

Conditions:
Inborn genetic diseases. Identifiers: MedGen C0950123, MeSH D030342.

Submission:

Ambry Genetics
Classification: Uncertain significance for Inborn genetic diseases. Last evaluated: 2023-12-14. Review status: criteria provided, single submitter. Criteria: Ambry Variant Classification Scheme 2023. Collection method: clinical testing. Allele origin: germline.
Comment: The p.L1827F variant (also known as c.5479C>T), located in coding exon 37 of the LRRK2 gene, results from a C to T substitution at nucleotide position 5479. The leucine at codon 1827 is replaced by phenylalanine, an amino acid with highly similar properties. This amino acid position is conserved. In addition, the in silico prediction for this alteration is inconclusive. Since supporting evidence is limited at this time, the clinical significance of this alteration remains unclear.

NM_198578.4(LRRK2):c.5479C>T (p.Leu1827Phe)

Gene: LRRK2 (leucine rich repeat kinase 2; plus strand). Cytogenetic location: 12q12.
Variant type: single nucleotide variant.
Coding change: c.5479C>T on transcript NM_198578.4 (MANE Select); coding-DNA position 5479, C replaced by T.
Protein change: p.Leu1827Phe; replaces leucine 1827 with phenylalanine.
Molecular consequence: missense variant.
Genome position (GRCh38, 1-based): chr12:40,322,480, C>T. VCF-style: chr12-40322480-C-T. GRCh37 (hg19) VCF-style: chr12-40716282-C-T.
Other names: short protein forms L1827F.
Identifiers: ClinVar variation 1747776 (VCV001747776.2), dbSNP rs2499885831, ClinGen allele CA384420860.